The following is an entry in ClinVar:

NM_000038.6(APC):c.6338G>C (p.Ser2113Thr)

Gene: APC (APC regulator of Wnt signaling pathway; plus strand). Cytogenetic location: 5q22.2.
Variant type: single nucleotide variant.
Coding change: c.6338G>C on transcript NM_000038.6 (MANE Select); coding-DNA position 6338, G replaced by C.
Protein change: p.Ser2113Thr; replaces serine 2113 with threonine.
Molecular consequence: missense variant.
Genome position (GRCh38, 1-based): chr5:112,841,932, G>C. VCF-style: chr5-112841932-G-C. GRCh37 (hg19) VCF-style: chr5-112177629-G-C.
Other names: c.6338G>C, p.Ser2113Thr (NM_001127510.3, NM_001354895.2); c.6284G>C, p.Ser2095Thr (NM_001127511.3); c.6392G>C, p.Ser2131Thr (NM_001354896.2); c.6368G>C, p.Ser2123Thr (NM_001354897.2); c.6263G>C, p.Ser2088Thr (NM_001354898.2); c.6254G>C, p.Ser2085Thr (NM_001354899.2); c.6215G>C, p.Ser2072Thr (NM_001354900.2); c.6161G>C, p.Ser2054Thr (NM_001354901.2); and 5 more; short protein forms S1830T, S1953T, S1987T, S2054T, S2072T, S2085T, S2123T, S2095T.
Identifiers: ClinVar variation 1043649 (VCV001043649.10), dbSNP rs1766189874, ClinGen allele CA16035212.

ClinVar aggregate classification (germline): Uncertain significance (1 of 4 stars; one submission).

Conditions:
Familial adenomatous polyposis 1 (FAP1). Also called: FAMILIAL ADENOMATOUS POLYPOSIS 1, ATTENUATED; POLYPOSIS, ADENOMATOUS INTESTINAL. Identifiers: MedGen C2713442, MONDO:0021056, OMIM 175100. Disease mechanism: loss of function.

Submission:

Labcorp Genetics (formerly Invitae), Labcorp
Classification: Uncertain significance for Familial adenomatous polyposis 1. Last evaluated: 2020-10-20. Review status: criteria provided, single submitter. Criteria: Invitae Variant Classification Sherloc (09022015). Collection method: clinical testing. Allele origin: germline.
Comment: This sequence change replaces serine with threonine at codon 2113 of the APC protein (p.Ser2113Thr). The serine residue is highly conserved and there is a small physicochemical difference between serine and threonine. This variant is not present in population databases (ExAC no frequency). This variant has not been reported in the literature in individuals with APC-related conditions. Algorithms developed to predict the effect of missense changes on protein structure and function are either unavailable or do not agree on the potential impact of this missense change (SIFT: "Tolerated"; PolyPhen-2: "Probably Damaging"; Align-GVGD: "Class C0"). In summary, the available evidence is currently insufficient to determine the role of this variant in disease. Therefore, it has been classified as a Variant of Uncertain Significance.